The following is an entry in ClinVar:

NM_033380.3(COL4A5):c.2786del (p.Gly929fs)

Gene: COL4A5 (collagen type IV alpha 5 chain; plus strand). Cytogenetic location: Xq22.3.
Variant type: Deletion.
Coding change: c.2786del on transcript NM_033380.3 (MANE Select); coding-DNA position 2786, one base deleted (G; older notation c.2786delG).
Protein change: p.Gly929fs; shifts the reading frame from glycine 929.
Molecular consequence: frameshift variant.
Genome position (GRCh38, 1-based): chrX:108,622,694, G deleted; the last of 3 consecutive G bases (chrX:108,622,692-108,622,694); deleting any one gives the same sequence. VCF-style (leftmost placement, unchanged base first): chrX-108622691-AG-A. GRCh37 (hg19) VCF-style: chrX-107865921-AG-A.
Other names: c.2786del, p.Gly929fs (NM_000495.5); short protein forms G929fs.
Identifiers: ClinVar variation 1069768 (VCV001069768.7), dbSNP rs2147865567, ClinGen allele CA2499226320.

ClinVar aggregate classification (germline): Pathogenic (1 of 4 stars; one submission).

Submission:

Labcorp Genetics (formerly Invitae), Labcorp
Classification: Pathogenic. Last evaluated: 2020-04-06. Review status: criteria provided, single submitter. Criteria: Invitae Variant Classification Sherloc (09022015). Collection method: clinical testing. Allele origin: germline.
Comment: This variant is not present in population databases (ExAC no frequency). This sequence change creates a premature translational stop signal (p.Gly929Valfs*67) in the COL4A5 gene. It is expected to result in an absent or disrupted protein product. This variant has not been reported in the literature in individuals with COL4A5-related conditions. Algorithms developed to predict the effect of sequence changes on RNA splicing suggest that this variant may create or strengthen a splice site, but this prediction has not been confirmed by published transcriptional studies. Loss-of-function variants in COL4A5 are known to be pathogenic (PMID: 9195222, 10752524, 14514738, 24854265, 26809805). For these reasons, this variant has been classified as Pathogenic.

Literature cited by the submitters: PubMed 9195222; PubMed 10752524; PubMed 14514738; PubMed 24854265; PubMed 26809805.